The following is an entry in ClinVar:

NM_001267550.2(TTN):c.14761T>C (p.Trp4921Arg)

Gene: TTN (titin; minus strand). Cytogenetic location: 2q31.2.
Variant type: single nucleotide variant.
Coding change: c.14761T>C on transcript NM_001267550.2 (MANE Select); coding-DNA position 14761, T replaced by C.
Protein change: p.Trp4921Arg; replaces tryptophan 4921 with arginine.
Molecular consequence: missense variant. On other transcripts: intron variant (3).
Genome position (GRCh38, 1-based): chr2:178,735,685, A>G on the plus strand (T>C on the coding strand, the complement: TTN is on the minus strand). VCF-style: chr2-178735685-A-G. GRCh37 (hg19) VCF-style: chr2-179600412-A-G.
Other names: c.13810T>C, p.Trp4604Arg (NM_001256850.1); c.11029T>C, p.Trp3677Arg (NM_133378.4); c.13282+2397T>C (NM_003319.4); c.13858+2397T>C (NM_133437.4); c.13657+2397T>C (NM_133432.3); short protein forms W4604R, W3677R, W4921R.
Identifiers: ClinVar variation 4996096 (VCV004996096.1).

ClinVar aggregate classification (germline): Uncertain significance (1 of 4 stars; one submission).

Conditions:
TTN-related disorder. Also called: TTN-related condition; TTN-related disease; TTN-related disorders.

Submission:

PreventionGenetics, part of Exact Sciences
Classification: Uncertain significance for TTN-related condition. Last evaluated: 2026-02-22. Review status: criteria provided, single submitter. Criteria: ACMG Guidelines, 2015. Collection method: clinical testing. Allele origin: germline.
Comment: The TTN c.14761T>C variant is predicted to result in the amino acid substitution p.Trp4921Arg. To our knowledge, this variant has not been reported in the literature. This variant is reported in 0.0041% of alleles in individuals of African descent in gnomAD. At this time, the clinical significance of this variant is uncertain due to the absence of conclusive functional and genetic evidence.